The following is an entry in ClinVar:

ClinVar aggregate classification (germline): Uncertain significance (1 of 4 stars; one submission).

Conditions:
Inborn genetic diseases. Identifiers: MedGen C0950123, MeSH D030342.

Submission:

Ambry Genetics
Classification: Uncertain significance for Inborn genetic diseases. Last evaluated: 2025-08-07. Review status: criteria provided, single submitter. Criteria: Ambry Variant Classification Scheme 2023. Collection method: clinical testing. Allele origin: germline.
Comment: The p.S550L variant (also known as c.1649C>T), located in coding exon 12 of the BMPR2 gene, results from a C to T substitution at nucleotide position 1649. The serine at codon 550 is replaced by leucine, an amino acid with dissimilar properties. This amino acid position is conserved. In addition, the in silico prediction for this alteration is inconclusive. Based on the available evidence, the clinical significance of this variant remains unclear.

NM_001204.7(BMPR2):c.1649C>T (p.Ser550Leu)

Gene: BMPR2 (bone morphogenetic protein receptor type 2; plus strand). Cytogenetic location: 2q33.2.
Variant type: single nucleotide variant.
Coding change: c.1649C>T on transcript NM_001204.7 (MANE Select); coding-DNA position 1649, C replaced by T.
Protein change: p.Ser550Leu; replaces serine 550 with leucine.
Molecular consequence: missense variant.
Genome position (GRCh38, 1-based): chr2:202,555,314, C>T. VCF-style: chr2-202555314-C-T. GRCh37 (hg19) VCF-style: chr2-203420037-C-T.
Other names: short protein forms S550L.
Identifiers: ClinVar variation 4214484 (VCV004214484.1).
Genomic context (GRCh38, chr2:202,555,314, plus strand): 5'-ACCTGTCACATAATAGGCGTGTGCCAAAAATTGGTCCTTATCCAGATTATTCTTCCTCCT[C>T]ATACATTGAAGACTCTATCCATCATACTGACAGCATCGTGAAGAATATTTCCTCTGAGCA-3'
Protein context (NP_001195.2, residues 540-560): IGPYPDYSSS[Ser550Leu]YIEDSIHHTD